The following is an entry in ClinVar:

NM_001130823.3(DNMT1):c.2031G>T (p.Gln677His)

Gene: DNMT1 (DNA methyltransferase 1; minus strand). Cytogenetic location: 19p13.2.
Variant type: single nucleotide variant.
Coding change: c.2031G>T on transcript NM_001130823.3 (MANE Select); coding-DNA position 2031, G replaced by T.
Protein change: p.Gln677His; replaces glutamine 677 with histidine.
Molecular consequence: missense variant.
Genome position (GRCh38, 1-based): chr19:10,151,836, C>A on the plus strand (G>T on the coding strand, the complement: DNMT1 is on the minus strand). VCF-style: chr19-10151836-C-A. GRCh37 (hg19) VCF-style: chr19-10262512-C-A.
Other names: c.1983G>T, p.Gln661His (NM_001318730.2, NM_001379.4); c.1668G>T, p.Gln556His (NM_001318731.2); short protein forms Q556H, Q661H, Q677H.
Identifiers: ClinVar variation 1503241 (VCV001503241.5), dbSNP rs2145299853, ClinGen allele CA403932120.

ClinVar aggregate classification (germline): Uncertain significance (1 of 4 stars; one submission).

Conditions:
Hereditary sensory neuropathy-deafness-dementia syndrome. Also called: Hereditary sensory neuropathy type IE; NEUROPATHY, HEREDITARY SENSORY, WITH HEARING LOSS AND DEMENTIA; Hereditary Sensory and Autonomic Neuropathy Type 1E (HSAN1E); HSN IE. Identifiers: Orphanet 456318, MedGen C3279885, MONDO:0013584, OMIM 614116.

gnomAD v4.1: 1 of 1,614,094 alleles (0.000062%); highest among the groups gnomAD compares: Non-Finnish European, 0.000085%; no homozygotes.

Submission:

Labcorp Genetics (formerly Invitae), Labcorp
Classification: Uncertain significance for Hereditary sensory neuropathy-deafness-dementia syndrome. Last evaluated: 2021-09-02. Review status: criteria provided, single submitter. Criteria: Invitae Variant Classification Sherloc (09022015). Collection method: clinical testing. Allele origin: germline.
Comment: This sequence change replaces glutamine with histidine at codon 677 of the DNMT1 protein (p.Gln677His). The glutamine residue is moderately conserved and there is a small physicochemical difference between glutamine and histidine. This variant is not present in population databases (ExAC no frequency). This variant has not been reported in the literature in individuals affected with DNMT1-related conditions. Algorithms developed to predict the effect of missense changes on protein structure and function are either unavailable or do not agree on the potential impact of this missense change (SIFT: "Deleterious"; PolyPhen-2: "Possibly Damaging"; Align-GVGD: "Class C0"). In summary, the available evidence is currently insufficient to determine the role of this variant in disease. Therefore, it has been classified as a Variant of Uncertain Significance.